The following is an entry in ClinVar:

ClinVar aggregate classification (germline): Likely benign (1 of 4 stars; one submission).

Allele frequency attached by ClinVar (database versions not stated): gnomAD 0.00004; gnomAD exomes 0.00012; 1000 Genomes Project 30x 0.00016; ExAC 0.00074.
gnomAD v4.1: 66 of 700,090 alleles (0.0094%); highest among the groups gnomAD compares: South Asian, 0.095%; 1 homozygote.

Submission:

CeGaT Center for Human Genetics Tuebingen
Classification: Likely benign. Last evaluated: 2022-07-01. Review status: criteria provided, single submitter. Criteria: CeGaT Center For Human Genetics Tuebingen Variant Classification Criteria Version 2. Collection method: clinical testing. Allele origin: germline. Affected: yes. Observed: 1 variant allele.
Comment: WDR97: BP4, BP7

NM_001316309.2(WDR97):c.4059C>T (p.Asp1353=)

Gene: WDR97 (WD repeat domain 97; plus strand). Cytogenetic location: 8q24.3.
Variant type: single nucleotide variant.
Coding change: c.4059C>T on transcript NM_001316309.2 (MANE Select); coding-DNA position 4059, C replaced by T.
Protein change: p.Asp1353=; no amino-acid change (aspartic acid 1353 retained).
Molecular consequence: synonymous variant.
Genome position (GRCh38, 1-based): chr8:144,114,893, C>T. VCF-style: chr8-144114893-C-T. GRCh37 (hg19) VCF-style: chr8-145169796-C-T.
Identifiers: ClinVar variation 2658976 (VCV002658976.24), dbSNP rs760894493, ClinGen allele CA4934759.